The following is an entry in ClinVar:

ClinVar aggregate classification (germline): Uncertain significance (1 of 4 stars; one submission).

Allele frequency attached by ClinVar (database versions not stated): gnomAD exomes below 0.00001 and 0.00001; ExAC 0.00002.
gnomAD v4.1: 7 of 1,613,610 alleles (0.00043%); highest among the groups gnomAD compares: South Asian, 0.0044%; no homozygotes.

Submission:

Labcorp Genetics (formerly Invitae), Labcorp
Classification: Uncertain significance. Last evaluated: 2025-01-15. Review status: criteria provided, single submitter. Criteria: Invitae Variant Classification Sherloc (09022015). Collection method: clinical testing. Allele origin: germline.
Comment: This sequence change falls in intron 57 of the USH2A gene. It does not directly change the encoded amino acid sequence of the USH2A protein. It affects a nucleotide within the consensus splice site. This variant is present in population databases (rs780354387, gnomAD 0.01%). This variant has not been reported in the literature in individuals affected with USH2A-related conditions. ClinVar contains an entry for this variant (Variation ID: 1395807). Variants that disrupt the consensus splice site are a relatively common cause of aberrant splicing (PMID: 17576681, 9536098). Algorithms developed to predict the effect of sequence changes on RNA splicing suggest that this variant is not likely to affect RNA splicing. In summary, the available evidence is currently insufficient to determine the role of this variant in disease. Therefore, it has been classified as a Variant of Uncertain Significance.

Literature cited by the submitters: PubMed 17576681; PubMed 9536098.

NM_206933.4(USH2A):c.11232-3T>C

Gene: USH2A (usherin; minus strand). Cytogenetic location: 1q41.
Variant type: single nucleotide variant.
Coding change: c.11232-3T>C on transcript NM_206933.4 (MANE Select); 3 bases into the intron before coding-DNA position 11232, T replaced by C.
Molecular consequence: intron variant.
Genome position (GRCh38, 1-based): chr1:215,758,755, A>G on the plus strand (T>C on the coding strand, the complement: USH2A is on the minus strand). VCF-style: chr1-215758755-A-G. GRCh37 (hg19) VCF-style: chr1-215932097-A-G.
Identifiers: ClinVar variation 1395807 (VCV001395807.6), dbSNP rs780354387, ClinGen allele CA1393783.